The following is an entry in ClinVar:

ClinVar aggregate classification (germline): Uncertain significance. Review status: criteria provided, multiple submitters, no conflicts (2 of 4 stars). 2 submissions from 2 submitters: Uncertain significance (2). Last evaluated 2025-04-16.

Conditions:
Inborn genetic diseases. Identifiers: MedGen C0950123, MeSH D030342.

gnomAD v4.1: 2 of 1,614,036 alleles (0.00012%); highest among the groups gnomAD compares: South Asian, 0.0022%; no homozygotes.

Submissions (2):

GeneDx
Classification: Uncertain significance. Last evaluated: 2025-04-16. Review status: criteria provided, single submitter. Criteria: GeneDx Variant Classification Process June 2021. Collection method: clinical testing. Allele origin: germline. Affected: yes.
Comment: In silico analysis supports that this missense variant has a deleterious effect on protein structure/function; Has not been previously published as pathogenic or benign to our knowledge

Ambry Genetics
Classification: Uncertain significance for Inborn genetic diseases. Last evaluated: 2024-05-28. Review status: criteria provided, single submitter. Criteria: Ambry Variant Classification Scheme 2023. Collection method: clinical testing. Allele origin: germline.

NM_001378452.1(ITPR1):c.3247C>G (p.Pro1083Ala)

Gene: ITPR1 (inositol 1,4,5-trisphosphate receptor type 1; plus strand). Cytogenetic location: 3p26.1.
Variant type: single nucleotide variant.
Coding change: c.3247C>G on transcript NM_001378452.1 (MANE Select); coding-DNA position 3247, C replaced by G.
Protein change: p.Pro1083Ala; replaces proline 1083 with alanine.
Molecular consequence: missense variant.
Genome position (GRCh38, 1-based): chr3:4,683,471, C>G. VCF-style: chr3-4683471-C-G. GRCh37 (hg19) VCF-style: chr3-4725155-C-G.
Other names: c.3220C>G, p.Pro1074Ala (NM_001099952.4); c.3202C>G, p.Pro1068Ala (NM_001168272.2); c.3175C>G, p.Pro1059Ala (NM_002222.7); short protein forms P1068A, P1059A, P1074A, P1083A.
Identifiers: ClinVar variation 3286985 (VCV003286985.2).